The following is an entry in ClinVar:

NM_001277115.2(DNAH11):c.5258A>G (p.Asp1753Gly)

Gene: DNAH11 (dynein axonemal heavy chain 11; plus strand). Cytogenetic location: 7p15.3.
Variant type: single nucleotide variant.
Coding change: c.5258A>G on transcript NM_001277115.2 (MANE Select); coding-DNA position 5258, A replaced by G.
Protein change: p.Asp1753Gly; replaces aspartic acid 1753 with glycine.
Molecular consequence: missense variant.
Genome position (GRCh38, 1-based): chr7:21,658,961, A>G. VCF-style: chr7-21658961-A-G. GRCh37 (hg19) VCF-style: chr7-21698579-A-G.
Other names: c.5273A>G, p.Asp1758Gly (NM_003777.3); short protein forms D1758G, D1753G.
Identifiers: ClinVar variation 1746393 (VCV001746393.5), dbSNP rs916862604, ClinGen allele CA155090807.

ClinVar aggregate classification (germline): Conflicting classifications of pathogenicity. Review status: criteria provided, conflicting classifications (1 of 4 stars). 2 submissions from 2 submitters: Uncertain significance (1); Benign (1). Last evaluated 2023-07-14.

Conditions:
Primary ciliary dyskinesia. Also called: Ciliary dyskinesia. Identifiers: Orphanet 244, MedGen C0008780, MONDO:0016575, HP:0012265.

Allele frequency attached by ClinVar (database versions not stated): TOPMed 0.00002.
gnomAD v4.1: 15 of 1,610,926 alleles (0.00093%); highest among the groups gnomAD compares: Non-Finnish European, 0.0012%; no homozygotes.

Submissions (2):

Labcorp Genetics (formerly Invitae), Labcorp
Classification: Benign for Primary ciliary dyskinesia. Last evaluated: 2023-07-14. Review status: criteria provided, single submitter. Criteria: Invitae Variant Classification Sherloc (09022015). Collection method: clinical testing. Allele origin: germline.

Ambry Genetics
Classification: Uncertain significance for Primary ciliary dyskinesia. Last evaluated: 2016-05-02. Review status: criteria provided, single submitter. Criteria: Ambry Variant Classification Scheme 2023. Collection method: clinical testing. Allele origin: germline.
Comment: The p.D1753G variant (also known as c.5258A>G), located in coding exon 30 of the DNAH11 gene, results from an A to G substitution at nucleotide position 5258. The aspartic acid at codon 1753 is replaced by glycine, an amino acid with similar properties. This variant was not reported in population based cohorts in the following databases: Database of Single Nucleotide Polymorphisms (dbSNP), NHLBI Exome Sequencing Project (ESP), and 1000 Genomes Project. In the ESP, this variant was not observed in 5945 samples (11890 alleles) with coverage at this position. This amino acid position is highly conserved in available vertebrate species. In addition, the in silico prediction for this alteration is inconclusive. Since supporting evidence is limited at this time, the clinical significance of this variant remains unclear.